The following is an entry in ClinVar:

NM_000179.3(MSH6):c.1038T>G (p.Ser346=)

Gene: MSH6 (mutS homolog 6; plus strand). Cytogenetic location: 2p16.3.
Variant type: single nucleotide variant.
Coding change: c.1038T>G on transcript NM_000179.3 (MANE Select); coding-DNA position 1038, T replaced by G.
Protein change: p.Ser346=; no amino-acid change (serine 346 retained).
Molecular consequence: synonymous variant.
Genome position (GRCh38, 1-based): chr2:47,799,021, T>G. VCF-style: chr2-47799021-T-G. GRCh37 (hg19) VCF-style: chr2-48026160-T-G.
Other names: c.648T>G, p.Ser216= (NM_001281492.2); c.132T>G, p.Ser44= (NM_001281493.2, NM_001281494.2).
Identifiers: ClinVar variation 763230 (VCV000763230.11), dbSNP rs1553412440, ClinGen allele CA426120816.

ClinVar aggregate classification (germline): Benign/Likely benign. Review status: criteria provided, multiple submitters, no conflicts (2 of 4 stars). 3 submissions from 3 submitters: Benign (1); Likely benign (2). Last evaluated 2024-12-20.

Conditions:
Lynch syndrome 5 (LYNCH5). Also called: Colorectal cancer, hereditary nonpolyposis, type 5; Hereditary non-polyposis colorectal cancer, type 5. Identifiers: Orphanet 144, MedGen C1833477, MONDO:0013710, OMIM 614350. Disease mechanism: loss of function.
Hereditary nonpolyposis colorectal neoplasms. Identifiers: MedGen C0009405, MeSH D003123.
Hereditary cancer-predisposing syndrome. Also called: Tumor predisposition; Neoplastic Syndromes, Hereditary; Hereditary Cancer Syndrome; Hereditary neoplastic syndrome. Identifiers: Orphanet 140162, MedGen C0027672, MeSH D009386, MONDO:0015356.

Submissions (3):

Myriad Genetics, Inc.
Classification: Benign for Lynch syndrome 5. Last evaluated: 2024-12-20. Review status: criteria provided, single submitter. Criteria: Myriad Autosomal Dominant, Autosomal Recessive and X-Linked Classification Criteria (2023). Collection method: clinical testing. Allele origin: unknown.
Comment: This variant is considered benign. This variant is a silent/synonymous amino acid change and it is not expected to impact splicing.

Labcorp Genetics (formerly Invitae), Labcorp
Classification: Likely benign for Hereditary nonpolyposis colorectal neoplasms. Last evaluated: 2022-08-11. Review status: criteria provided, single submitter. Criteria: Invitae Variant Classification Sherloc (09022015). Collection method: clinical testing. Allele origin: germline.

Ambry Genetics
Classification: Likely benign for Hereditary cancer-predisposing syndrome. Last evaluated: 2021-05-04. Review status: criteria provided, single submitter. Criteria: Ambry Variant Classification Scheme 2023. Collection method: clinical testing. Allele origin: germline.